The following is an entry in ClinVar:

NM_005732.4(RAD50):c.2524+3A>T

Gene: RAD50 (RAD50 double strand break repair protein; plus strand). Cytogenetic location: 5q31.1.
Variant type: single nucleotide variant.
Coding change: c.2524+3A>T on transcript NM_005732.4 (MANE Select); 3 bases into the intron after coding-DNA position 2524, A replaced by T.
Molecular consequence: intron variant.
Genome position (GRCh38, 1-based): chr5:132,604,049, A>T. VCF-style: chr5-132604049-A-T. GRCh37 (hg19) VCF-style: chr5-131939741-A-T.
Other names: c.2524+3A>T (NM_005732.3).
Identifiers: ClinVar variation 1350565 (VCV001350565.7), dbSNP rs1339706998, ClinGen allele CA562774248.

ClinVar aggregate classification (germline): Uncertain significance. Review status: criteria provided, multiple submitters, no conflicts (2 of 4 stars). 2 submissions from 2 submitters: Uncertain significance (2). Last evaluated 2023-07-03.

Conditions:
Hereditary cancer-predisposing syndrome. Also called: Hereditary neoplastic syndrome; Tumor predisposition; Neoplastic Syndromes, Hereditary; Hereditary Cancer Syndrome. Identifiers: Orphanet 140162, MedGen C0027672, MeSH D009386, MONDO:0015356.

Allele frequency attached by ClinVar (database versions not stated): gnomAD 0.00001.
gnomAD v4.1: 1 of 1,613,174 alleles (0.000062%); highest among the groups gnomAD compares: African/African-American, 0.0013%; no homozygotes.

Submissions (2):

Quest Diagnostics Nichols Institute San Juan Capistrano
Classification: Uncertain significance. Last evaluated: 2023-07-03. Review status: criteria provided, single submitter. Criteria: Quest Diagnostics criteria. Collection method: clinical testing. Allele origin: unknown.
Comment: This variant has not been reported in the published literature. The frequency of this variant in the general population, 0.000032 (1/31396 chromosomes (Genome Aggregation Database)), is uninformative in the assessment of its pathogenicity. Analysis of this variant using software algorithms for the prediction of the effect of nucleotide changes on splicing yielded predictions that this variant may affect proper RAD50 mRNA splicing . Based on the available information, we are unable to determine the clinical significance of this variant.

Labcorp Genetics (formerly Invitae), Labcorp
Classification: Uncertain significance for Hereditary cancer-predisposing syndrome. Last evaluated: 2023-04-23. Review status: criteria provided, single submitter. Criteria: Invitae Variant Classification Sherloc (09022015). Collection method: clinical testing. Allele origin: germline.
Comment: This sequence change falls in intron 15 of the RAD50 gene. It does not directly change the encoded amino acid sequence of the RAD50 protein. RNA analysis indicates that this variant induces altered splicing and may result in an absent or disrupted protein product. This variant is present in population databases (no rsID available, gnomAD 0.01%). In summary, the available evidence is currently insufficient to determine the role of this variant in disease. Therefore, it has been classified as a Variant of Uncertain Significance. Variants that disrupt the consensus splice site are a relatively common cause of aberrant splicing (PMID: 17576681, 9536098). Studies have shown that this variant results in skipping of exon 15 and introduces a premature termination codon (Invitae). The resulting mRNA is expected to undergo nonsense-mediated decay. ClinVar contains an entry for this variant (Variation ID: 1350565). This variant has not been reported in the literature in individuals affected with RAD50-related conditions.

Literature cited by the submitters: PubMed 17576681 (cited by Labcorp Genetics (formerly Invitae), Labcorp); PubMed 9536098 (cited by Labcorp Genetics (formerly Invitae), Labcorp).